The following is an entry in ClinVar:

NM_024675.4(PALB2):c.3351-7C>T

Gene: PALB2 (partner and localizer of BRCA2; minus strand). Cytogenetic location: 16p12.2.
Variant type: single nucleotide variant.
Coding change: c.3351-7C>T on transcript NM_024675.4 (MANE Select); 7 bases into the intron before coding-DNA position 3351, C replaced by T.
Molecular consequence: intron variant.
Genome position (GRCh38, 1-based): chr16:23,603,676, G>A on the plus strand (C>T on the coding strand, the complement: PALB2 is on the minus strand). VCF-style: chr16-23603676-G-A. GRCh37 (hg19) VCF-style: chr16-23614997-G-A.
Identifiers: ClinVar variation 1698828 (VCV001698828.5), dbSNP rs2142255767, ClinGen allele CA1139532234.
Genomic context (GRCh38, chr16:23,603,676, plus strand): 5'-CCAGAAGTCAAGATTGCTGCTGCACAGTGATCTTTCACGTCACCTTCCAGGAACCTGATA[G>A]CATACAAAGAAGATATAATTCAGATTACATATCCAAAAAACAATTAAAAAAAAAAAAAAG-3'

ClinVar aggregate classification (germline): Conflicting classifications of pathogenicity. Review status: criteria provided, conflicting classifications (1 of 4 stars). 3 submissions from 3 submitters: Uncertain significance (1); Likely benign (2). Last evaluated 2025-12-20.

Conditions:
Familial cancer of breast. Also called: BREAST CANCER, FAMILIAL; Hereditary breast cancer; hereditary breast carcinoma. Identifiers: Orphanet 227535, MedGen C0346153, MONDO:0016419, OMIM 114480. Disease mechanism: loss of function.

Allele frequency attached by ClinVar (database versions not stated): gnomAD exomes below 0.00001.
gnomAD v4.1: 1 of 1,606,542 alleles (0.000062%); highest among the groups gnomAD compares: Non-Finnish European, 0.000085%; no homozygotes.

Submissions (3):

Labcorp Genetics (formerly Invitae), Labcorp
Classification: Likely benign for Familial cancer of breast. Last evaluated: 2025-12-20. Review status: criteria provided, single submitter. Criteria: Invitae Variant Classification Sherloc (09022015). Collection method: clinical testing. Allele origin: germline.

Myriad Genetics, Inc.
Classification: Likely benign for Familial cancer of breast. Last evaluated: 2025-01-22. Review status: criteria provided, single submitter. Criteria: Myriad Autosomal Dominant, Autosomal Recessive and X-Linked Classification Criteria (2023). Collection method: clinical testing. Allele origin: unknown.
Comment: This variant is considered likely benign. This variant is intronic and is not expected to impact mRNA splicing.

Genetics and Molecular Pathology, SA Pathology
Classification: Uncertain significance for Familial cancer of breast. Last evaluated: 2020-08-11. Review status: criteria provided, single submitter. Criteria: ACMG Guidelines, 2015. Collection method: clinical testing. Allele origin: germline. Affected: yes.